The following is an entry in ClinVar:

ClinVar aggregate classification (germline): Uncertain significance. Review status: criteria provided, multiple submitters, no conflicts (2 of 4 stars). 2 submissions from 2 submitters: Uncertain significance (2). Last evaluated 2024-02-29.

Conditions:
Congenital anomalies of kidney and urinary tract syndrome with or without hearing loss, abnormal ears, or developmental delay. Also called: Congenital Anomalies of the Kidney and Urinary Tract syndrome with or without Hearing Loss, Abnormal Ears, or Developmental Delay. Identifiers: Orphanet 656130, MedGen C4539968, MONDO:0060549, OMIM 617641.

Submissions (2):

Fulgent Genetics
Classification: Uncertain significance for Congenital anomalies of kidney and urinary tract syndrome with or without hearing loss, abnormal ears, or developmental delay. Last evaluated: 2024-02-29. Review status: criteria provided, single submitter. Criteria: ACMG Guidelines, 2015. Collection method: clinical testing. Allele origin: germline.

GeneDx
Classification: Uncertain significance. Last evaluated: 2023-04-28. Review status: criteria provided, single submitter. Criteria: GeneDx Variant Classification Process June 2021. Collection method: clinical testing. Allele origin: germline. Affected: yes.
Comment: Not observed at significant frequency in large population cohorts (gnomAD); In silico analysis supports that this missense variant has a deleterious effect on protein structure/function; Has not been previously published as pathogenic or benign to our knowledge

NM_002585.4(PBX1):c.898G>A (p.Glu300Lys)

Gene: PBX1 (PBX homeobox 1; plus strand). Cytogenetic location: 1q23.3.
Variant type: single nucleotide variant.
Coding change: c.898G>A on transcript NM_002585.4 (MANE Select); coding-DNA position 898, G replaced by A.
Protein change: p.Glu300Lys; replaces glutamic acid 300 with lysine.
Molecular consequence: missense variant.
Genome position (GRCh38, 1-based): chr1:164,812,050, G>A. VCF-style: chr1-164812050-G-A. GRCh37 (hg19) VCF-style: chr1-164781287-G-A.
Other names: c.898G>A, p.Glu300Lys (NM_001204961.2, NM_001204963.2, NM_001353131.2); c.649G>A, p.Glu217Lys (NM_001353130.1); short protein forms E217K, E300K.
Identifiers: ClinVar variation 2663051 (VCV002663051.2), dbSNP rs2526882090, ClinGen allele CA343471614.